The following is an entry in ClinVar:

ClinVar aggregate classification (germline): Likely pathogenic (1 of 4 stars; one submission).

Conditions:
Holocarboxylase synthetase deficiency. Also called: MULTIPLE CARBOXYLASE DEFICIENCY, EARLY ONSET. Identifiers: Orphanet 79242, MedGen C0268581, MONDO:0009666, OMIM 253270.

Submission:

Natera, Inc.
Classification: Likely pathogenic for Holocarboxylase synthetase deficiency. Last evaluated: 2024-12-30. Review status: criteria provided, single submitter. Criteria: Natera Variant Classification Schema (03/2026). Collection method: clinical testing. Allele origin: germline.
Comment: The c.1867delC variant in HLCS is a frameshift variant predicted to shift the reading frame beginning at codon 623 and leads to a stop codon 6 codons downstream. This variant is expected to result in nonsense mediated decay, truncation, or a dysfunctional protein product. This variant is rare in the general population with a frequency below the threshold expected for the associated phenotype(s). Given the available evidence, this variant is classified as Likely Pathogenic.

NM_001352514.2(HLCS):c.2308del (p.Gln770fs)

Gene: HLCS (holocarboxylase synthetase; minus strand). Cytogenetic location: 21q22.13.
Variant type: Deletion.
Coding change: c.2308del on transcript NM_001352514.2 (MANE Select); coding-DNA position 2308, one base deleted (C; older notation c.2308delC).
Protein change: p.Gln770fs; shifts the reading frame from glutamine 770.
Molecular consequence: frameshift variant. On other transcripts: non-coding transcript variant (2).
Genome position (GRCh38, 1-based): chr21:36,756,684, G deleted on the plus strand (C on the coding strand, the reverse complement: HLCS is on the minus strand). VCF-style (leftmost placement, unchanged base first): chr21-36756683-TG-T. GRCh37 (hg19) VCF-style: chr21-38128984-TG-T.
Other names: c.1867del, p.Gln623fs (NM_000411.8, NM_001242784.3, NM_001242785.2 and 4 more transcripts); short protein forms Q623fs, Q770fs.
Identifiers: ClinVar variation 4818328 (VCV004818328.1).